The following is an entry in ClinVar:

ClinVar aggregate classification (germline): other (0 of 4 stars; one submission).

Conditions:
Familial colorectal cancer. Identifiers: MedGen CN280943, MONDO:0023113. Disease mechanism: loss of function.

Submission:

Systems Biology Platform Zhejiang California International NanoSystems Institute
Classification: other for Familial colorectal cancer. Review status: no assertion criteria provided. Collection method: not provided. Allele origin: unknown.
ClinVar note: Converted during submission from cancer to other.

NM_000038.6(APC):c.1743+347G>T

Gene: APC (APC regulator of WNT signaling pathway; plus strand). Cytogenetic location: 5q22.2.
Variant type: single nucleotide variant.
Coding change: c.1743+347G>T on transcript NM_000038.6 (MANE Select); 347 bases into the intron after coding-DNA position 1743, G replaced by T.
Molecular consequence: intron variant.
Genome position (GRCh38, 1-based): chr5:112,829,319, G>T. VCF-style: chr5-112829319-G-T. GRCh37 (hg19) VCF-style: chr5-112165016-G-T.
Other names: c.1743+347G>T (NM_001354895.2, NM_001127510.3); c.1773+347G>T (NM_001354897.2); c.1470+347G>T (NM_001354902.2); c.1689+347G>T (NM_001127511.3); c.1668+347G>T (NM_001354898.2); c.1365+347G>T (NM_001354904.2); c.894+347G>T (NM_001354906.2); c.1797+347G>T (NM_001354896.2); and 5 more.
Identifiers: ClinVar variation 83166 (VCV000083166.2), dbSNP rs77724846, ClinGen allele CA005662.